The following is an entry in ClinVar:

ClinVar aggregate classification (germline): Uncertain significance (1 of 4 stars; one submission).

gnomAD v4.1: 17 of 1,612,858 alleles (0.0011%); highest among the groups gnomAD compares: South Asian, 0.0022%; no homozygotes.

Submission:

Labcorp Genetics (formerly Invitae), Labcorp
Classification: Uncertain significance. Last evaluated: 2024-07-05. Review status: criteria provided, single submitter. Criteria: Invitae Variant Classification Sherloc (09022015). Collection method: clinical testing. Allele origin: germline.
Comment: This sequence change replaces valine, which is neutral and non-polar, with methionine, which is neutral and non-polar, at codon 294 of the PLXNA2 protein (p.Val294Met). This variant is present in population databases (no rsID available, gnomAD 0.003%). This variant has not been reported in the literature in individuals affected with PLXNA2-related conditions. Advanced modeling of protein sequence and biophysical properties (such as structural, functional, and spatial information, amino acid conservation, physicochemical variation, residue mobility, and thermodynamic stability) has been performed at Invitae for this missense variant, however the output from this modeling did not meet the statistical confidence thresholds required to predict the impact of this variant on PLXNA2 protein function. In summary, the available evidence is currently insufficient to determine the role of this variant in disease. Therefore, it has been classified as a Variant of Uncertain Significance.

NM_025179.4(PLXNA2):c.880G>A (p.Val294Met)

Gene: PLXNA2 (plexin A2; minus strand). Cytogenetic location: 1q32.2.
Variant type: single nucleotide variant.
Coding change: c.880G>A on transcript NM_025179.4 (MANE Select); coding-DNA position 880, G replaced by A.
Protein change: p.Val294Met; replaces valine 294 with methionine.
Molecular consequence: missense variant.
Genome position (GRCh38, 1-based): chr1:208,217,043, C>T on the plus strand (G>A on the coding strand, the complement: PLXNA2 is on the minus strand). VCF-style: chr1-208217043-C-T. GRCh37 (hg19) VCF-style: chr1-208390388-C-T.
Other names: short protein forms V294M.
Identifiers: ClinVar variation 3612814 (VCV003612814.2).